The following is an entry in ClinVar:

ClinVar aggregate classification (germline): Likely pathogenic (1 of 4 stars; one submission).

Conditions:
Myopathy caused by variation in FKTN. Identifiers: MedGen CN305638, MONDO:0700067.

Submission:

Myriad Genetics, Inc.
Classification: Likely pathogenic for Myopathy caused by variation in FKTN. Last evaluated: 2022-05-18. Review status: criteria provided, single submitter. Criteria: Myriad Autosomal Dominant, Autosomal Recessive and X-Linked Classification Criteria (2023). Collection method: clinical testing. Allele origin: unknown.
Comment: NM_001079802.1(FKTN):c.587_590delACAG(D196Gfs*43) is expected to be pathogenic in the context of FKTN-related disorders. This variant is predicted to lead to an abnormal or absent protein product due to the creation of a premature termination codon in FKTN, a gene where loss-of-function variants are known to be pathogenic. Please note: this variant was assessed in the context of healthy population screening.

NM_001079802.2(FKTN):c.587_590del (p.Asp196fs)

Gene: FKTN (fukutin; plus strand). Cytogenetic location: 9q31.2.
Variant type: Deletion.
Coding change: c.587_590del on transcript NM_001079802.2 (MANE Select); coding-DNA positions 587 to 590, 4 bases deleted (ACAG; older notation c.587_590delACAG).
Protein change: p.Asp196fs; shifts the reading frame from aspartic acid 196.
Molecular consequence: frameshift variant. On other transcripts: non-coding transcript variant (2).
Genome position (GRCh38, 1-based): chr9:105,604,432-105,604,435, ACAG deleted; deleting any 4 consecutive bases within chr9:105,604,431-105,604,435 gives the same sequence; the c. name uses the placement nearest the transcript's 3' end. VCF-style (leftmost placement, unchanged base first): chr9-105604430-TGACA-T. GRCh37 (hg19) VCF-style: chr9-108366711-TGACA-T.
Other names: c.587_590del, p.Asp196fs (NM_001198963.2, NM_001351496.2, NM_001351498.2 and 1 more transcripts); c.518_521del, p.Asp173fs (NM_001351497.2); c.191_194del, p.Asp64fs (NM_001351499.2, NM_001351500.2, NM_001351501.2 and 1 more transcripts); short protein forms D173fs, D196fs, D64fs.
Identifiers: ClinVar variation 1726110 (VCV001726110.3), dbSNP rs2539412353, ClinGen allele CA2580079321.